The following is an entry in ClinVar:

NM_001112741.2(KCNC1):c.1558C>T (p.Pro520Ser)

Gene: KCNC1 (potassium voltage-gated channel subfamily C member 1; plus strand). Cytogenetic location: 11p15.1.
Variant type: single nucleotide variant.
Coding change: c.1558C>T on transcript NM_001112741.2 (MANE Select); coding-DNA position 1558, C replaced by T.
Protein change: p.Pro520Ser; replaces proline 520 with serine.
Molecular consequence: missense variant.
Genome position (GRCh38, 1-based): chr11:17,779,509, C>T. VCF-style: chr11-17779509-C-T. GRCh37 (hg19) VCF-style: chr11-17801056-C-T.
Other names: short protein forms P520S.
Identifiers: ClinVar variation 2430365 (VCV002430365.2), dbSNP rs2497818743, ClinGen allele CA379814175.

ClinVar aggregate classification (germline): Uncertain significance (1 of 4 stars; one submission).

Submission:

Centre of Medical Genetics, University Hospital Muenster
Classification: Uncertain significance. Last evaluated: 2022-12-15. Review status: criteria provided, single submitter. Criteria: ACMG Guidelines, 2015. Collection method: clinical testing. Allele origin: unknown. Affected: yes. Observed: 1 variant allele, 1 heterozygote.
Comment: ACMG categories: PM2,PP3